The following is an entry in ClinVar:

ClinVar aggregate classification (germline): Uncertain significance (1 of 4 stars; one submission).

gnomAD v4.1: 1 of 1,613,950 alleles (0.000062%); highest among the groups gnomAD compares: Non-Finnish European, 0.000085%; no homozygotes.

Submission:

CeGaT Center for Human Genetics Tuebingen
Classification: Uncertain significance. Last evaluated: 2022-12-01. Review status: criteria provided, single submitter. Criteria: CeGaT Center For Human Genetics Tuebingen Variant Classification Criteria Version 2. Collection method: clinical testing. Allele origin: germline. Affected: yes. Observed: 1 variant allele.
Comment: TTN: PM2, BP4

NM_001267550.2(TTN):c.105455C>T (p.Thr35152Ile)

Genes: TTN (titin; minus strand), TTN-AS1 (TTN antisense RNA 1; plus strand). Cytogenetic location: 2q31.2.
Variant type: single nucleotide variant.
Coding change: c.105455C>T on transcript NM_001267550.2 (MANE Select); coding-DNA position 105455, C replaced by T.
Protein change: p.Thr35152Ile; replaces threonine 35152 with isoleucine.
Molecular consequence: missense variant.
Genome position (GRCh38, 1-based): chr2:178,531,160, G>A on the plus strand (C>T on the coding strand, the complement: TTN is on the minus strand). VCF-style: chr2-178531160-G-A. GRCh37 (hg19) VCF-style: chr2-179395887-G-A.
Other names: c.100532C>T, p.Thr33511Ile (NM_001256850.1); c.78260C>T, p.Thr26087Ile (NM_003319.4); c.97751C>T, p.Thr32584Ile (NM_133378.4); c.78635C>T, p.Thr26212Ile (NM_133432.3); c.78836C>T, p.Thr26279Ile (NM_133437.4); short protein forms T26087I, T26212I, T26279I, T32584I, T33511I, T35152I.
Identifiers: ClinVar variation 2651578 (VCV002651578.24), dbSNP rs2468399423, ClinGen allele CA349408728.